The following is an entry in ClinVar:

NM_032387.5(WNK4):c.3187G>A (p.Gly1063Arg)

Gene: WNK4 (WNK lysine deficient protein kinase 4; plus strand). Cytogenetic location: 17q21.2.
Variant type: single nucleotide variant.
Coding change: c.3187G>A on transcript NM_032387.5 (MANE Select); coding-DNA position 3187, G replaced by A.
Protein change: p.Gly1063Arg; replaces glycine 1063 with arginine.
Molecular consequence: missense variant.
Genome position (GRCh38, 1-based): chr17:42,795,789, G>A. VCF-style: chr17-42795789-G-A. GRCh37 (hg19) VCF-style: chr17-40947807-G-A.
Other names: c.2179G>A, p.Gly727Arg (NM_001321299.2); short protein forms G727R, G1063R.
Identifiers: ClinVar variation 2058462 (VCV002058462.5), dbSNP rs755153601, ClinGen allele CA8584536.

ClinVar aggregate classification (germline): Uncertain significance. Review status: criteria provided, multiple submitters, no conflicts (2 of 4 stars). 2 submissions from 2 submitters: Uncertain significance (2). Last evaluated 2025-11-25.

Conditions:
Inborn genetic diseases. Identifiers: MedGen C0950123, MeSH D030342.

Allele frequency attached by ClinVar (database versions not stated): ExAC 0.00001.
gnomAD v4.1: 34 of 1,613,678 alleles (0.0021%); highest among the groups gnomAD compares: East Asian, 0.018%; no homozygotes.

Submissions (2):

Labcorp Genetics (formerly Invitae), Labcorp
Classification: Uncertain significance. Last evaluated: 2025-11-25. Review status: criteria provided, single submitter. Criteria: Invitae Variant Classification Sherloc (09022015). Collection method: clinical testing. Allele origin: germline.
Comment: This sequence change replaces glycine, which is neutral and non-polar, with arginine, which is basic and polar, at codon 1063 of the WNK4 protein (p.Gly1063Arg). This variant is present in population databases (rs755153601, gnomAD 0.01%). This variant has not been reported in the literature in individuals affected with WNK4-related conditions. ClinVar contains an entry for this variant (Variation ID: 2058462). Invitae Evidence Modeling of protein sequence and biophysical properties (such as structural, functional, and spatial information, amino acid conservation, physicochemical variation, residue mobility, and thermodynamic stability) indicates that this missense variant is not expected to disrupt WNK4 protein function with a negative predictive value of 95%. In summary, the available evidence is currently insufficient to determine the role of this variant in disease. Therefore, it has been classified as a Variant of Uncertain Significance.

Ambry Genetics
Classification: Uncertain significance for Inborn genetic diseases. Last evaluated: 2021-10-12. Review status: criteria provided, single submitter. Criteria: Ambry Variant Classification Scheme 2023. Collection method: clinical testing. Allele origin: germline.